The following is an entry in ClinVar:

ClinVar aggregate classification (germline): Likely benign (1 of 4 stars; one submission).

Submission:

CeGaT Center for Human Genetics Tuebingen
Classification: Likely benign. Last evaluated: 2024-03-01. Review status: criteria provided, single submitter. Criteria: CeGaT Center For Human Genetics Tuebingen Variant Classification Criteria Version 2. Collection method: clinical testing. Allele origin: germline. Affected: yes. Observed: 2 variant alleles.
Comment: SSC5D: BP4, BP7

NM_001144950.2(SSC5D):c.3711A>G (p.Thr1237=)

Gene: SSC5D (scavenger receptor cysteine rich family member with 5 domains; plus strand). Cytogenetic location: 19q13.42.
Variant type: single nucleotide variant.
Coding change: c.3711A>G on transcript NM_001144950.2 (MANE Select); coding-DNA position 3711, A replaced by G.
Protein change: p.Thr1237=; no amino-acid change (threonine 1237 retained).
Molecular consequence: synonymous variant.
Genome position (GRCh38, 1-based): chr19:55,517,987, A>G. VCF-style: chr19-55517987-A-G. GRCh37 (hg19) VCF-style: chr19-56029354-A-G.
Identifiers: ClinVar variation 2650531 (VCV002650531.24), dbSNP rs577502545, ClinGen allele CA509208699.